The following is an entry in ClinVar:

NM_000380.4(XPA):c.103dup (p.Ala35fs)

Gene: XPA (XPA, DNA damage recognition and repair factor; minus strand). Cytogenetic location: 9q22.33.
Variant type: Duplication.
Coding change: c.103dup on transcript NM_000380.4 (MANE Select); coding-DNA position 103, one base duplicated (G; older notation c.103dupG).
Protein change: p.Ala35fs; shifts the reading frame from alanine 35.
Molecular consequence: frameshift variant. On other transcripts: 5 prime UTR variant (1), non-coding transcript variant (5).
Genome position (GRCh38, 1-based): chr9:97,697,190, C duplicated on the plus strand (G on the coding strand, the reverse complement: XPA is on the minus strand); the first of 3 consecutive C bases (chr9:97,697,190-97,697,192); duplicating any one gives the same sequence. VCF-style (leftmost placement, unchanged base first): chr9-97697189-G-GC. GRCh37 (hg19) VCF-style: chr9-100459471-G-GC.
Other names: c.-1047dup (NM_001354975.2); short protein forms A35fs.
Identifiers: ClinVar variation 2910231 (VCV002910231.3), dbSNP rs2490246841, ClinGen allele CA2690902968.

ClinVar aggregate classification (germline): Pathogenic (1 of 4 stars; one submission).

Submission:

Labcorp Genetics (formerly Invitae), Labcorp
Classification: Pathogenic. Last evaluated: 2023-05-02. Review status: criteria provided, single submitter. Criteria: Invitae Variant Classification Sherloc (09022015). Collection method: clinical testing. Allele origin: germline.
Comment: For these reasons, this variant has been classified as Pathogenic. This sequence change creates a premature translational stop signal (p.Ala35Glyfs*27) in the XPA gene. It is expected to result in an absent or disrupted protein product. Loss-of-function variants in XPA are known to be pathogenic (PMID: 27607234). This variant is not present in population databases (gnomAD no frequency). This variant has not been reported in the literature in individuals affected with XPA-related conditions.

Literature cited by the submitters: PubMed 27607234.